The following is an entry in ClinVar:

NM_025099.6(CTC1):c.128T>C (p.Ile43Thr)

Gene: CTC1 (CST telomere replication complex component 1; minus strand). Cytogenetic location: 17p13.1.
Variant type: single nucleotide variant.
Coding change: c.128T>C on transcript NM_025099.6 (MANE Select); coding-DNA position 128, T replaced by C.
Protein change: p.Ile43Thr; replaces isoleucine 43 with threonine.
Molecular consequence: missense variant. On other transcripts: non-coding transcript variant (1).
Genome position (GRCh38, 1-based): chr17:8,243,054, A>G on the plus strand (T>C on the coding strand, the complement: CTC1 is on the minus strand). VCF-style: chr17-8243054-A-G. GRCh37 (hg19) VCF-style: chr17-8146372-A-G.
Other names: c.128T>C, p.Ile43Thr (NM_001411067.1); short protein forms I43T.
Identifiers: ClinVar variation 2919839 (VCV002919839.3), dbSNP rs1327428349, ClinGen allele CA397996451.

ClinVar aggregate classification (germline): Uncertain significance (1 of 4 stars; one submission).

Conditions:
Dyskeratosis congenita. Identifiers: Orphanet 1775, MedGen C0265965, MONDO:0015780.

Allele frequency attached by ClinVar (database versions not stated): gnomAD exomes below 0.00001.
gnomAD v4.1: 1 of 1,613,988 alleles (0.000062%); highest among the groups gnomAD compares: Non-Finnish European, 0.000085%; no homozygotes.

Submission:

Labcorp Genetics (formerly Invitae), Labcorp
Classification: Uncertain significance for Dyskeratosis congenita. Last evaluated: 2023-12-25. Review status: criteria provided, single submitter. Criteria: Invitae Variant Classification Sherloc (09022015). Collection method: clinical testing. Allele origin: germline.
Comment: This sequence change replaces isoleucine, which is neutral and non-polar, with threonine, which is neutral and polar, at codon 43 of the CTC1 protein (p.Ile43Thr). This variant is present in population databases (no rsID available, gnomAD 0.006%). This variant has not been reported in the literature in individuals affected with CTC1-related conditions. An algorithm developed to predict the effect of missense changes on protein structure and function (PolyPhen-2) suggests that this variant is likely to be disruptive. In summary, the available evidence is currently insufficient to determine the role of this variant in disease. Therefore, it has been classified as a Variant of Uncertain Significance.